The following is an entry in ClinVar:

NM_000363.5(TNNI3):c.7G>T (p.Asp3Tyr)

Gene: TNNI3 (troponin I3, cardiac type; minus strand). Cytogenetic location: 19q13.42.
Variant type: single nucleotide variant.
Coding change: c.7G>T on transcript NM_000363.5 (MANE Select); coding-DNA position 7, G replaced by T.
Protein change: p.Asp3Tyr; replaces aspartic acid 3 with tyrosine.
Molecular consequence: missense variant.
Genome position (GRCh38, 1-based): chr19:55,157,583, C>A on the plus strand (G>T on the coding strand, the complement: TNNI3 is on the minus strand). VCF-style: chr19-55157583-C-A. GRCh37 (hg19) VCF-style: chr19-55668951-C-A.
Other names: short protein forms D3Y.
Identifiers: ClinVar variation 948529 (VCV000948529.9), dbSNP rs2085744165, ClinGen allele CA407443526.

ClinVar aggregate classification (germline): Uncertain significance (1 of 4 stars; one submission).

Conditions:
Hypertrophic cardiomyopathy. Also called: HYPERTROPHIC MYOCARDIOPATHY. Identifiers: Orphanet 217569, MedGen C0007194, MeSH D002312, MONDO:0005045, HP:0001639.

Submission:

Labcorp Genetics (formerly Invitae), Labcorp
Classification: Uncertain significance for Hypertrophic cardiomyopathy. Last evaluated: 2022-10-25. Review status: criteria provided, single submitter. Criteria: Invitae Variant Classification Sherloc (09022015). Collection method: clinical testing. Allele origin: germline.
Comment: This sequence change replaces aspartic acid, which is acidic and polar, with tyrosine, which is neutral and polar, at codon 3 of the TNNI3 protein (p.Asp3Tyr). This variant is not present in population databases (gnomAD no frequency). This variant has not been reported in the literature in individuals affected with TNNI3-related conditions. ClinVar contains an entry for this variant (Variation ID: 948529). Algorithms developed to predict the effect of missense changes on protein structure and function are either unavailable or do not agree on the potential impact of this missense change (SIFT: "Deleterious"; PolyPhen-2: "Not Available"; Align-GVGD: "Class C0"). In summary, the available evidence is currently insufficient to determine the role of this variant in disease. Therefore, it has been classified as a Variant of Uncertain Significance.